The following is an entry in ClinVar:

NM_000268.4(NF2):c.343C>A (p.Gln115Lys)

Gene: NF2 (NF2, moesin-ezrin-radixin like (MERLIN) tumor suppressor; plus strand). Cytogenetic location: 22q12.2.
Variant type: single nucleotide variant.
Coding change: c.343C>A on transcript NM_000268.4 (MANE Select); coding-DNA position 343, C replaced by A.
Protein change: p.Gln115Lys; replaces glutamine 115 with lysine.
Molecular consequence: missense variant. On other transcripts: non-coding transcript variant (1), intron variant (3).
Genome position (GRCh38, 1-based): chr22:29,639,192, C>A. VCF-style: chr22-29639192-C-A. GRCh37 (hg19) VCF-style: chr22-30035181-C-A.
Other names: c.343C>A, p.Gln115Lys (NM_016418.5, NM_181825.3, NM_181832.3 and 1 more transcripts); c.217C>A, p.Gln73Lys (NM_181828.3); c.240+2316C>A (NM_181829.3); c.115-3010C>A (NM_181830.3, NM_181831.3); c.343C>A (NM_000268.3); short protein forms Q115K, Q73K.
Identifiers: ClinVar variation 1403898 (VCV001403898.9), dbSNP rs1350618734, ClinGen allele CA411153352.

ClinVar aggregate classification (germline): Uncertain significance. Review status: criteria provided, multiple submitters, no conflicts (2 of 4 stars). 2 submissions from 2 submitters: Uncertain significance (2). Last evaluated 2025-06-18.

Conditions:
Neurofibromatosis, type 2 (SWNV). Also called: BILATERAL ACOUSTIC NEUROFIBROMATOSIS; NF2-Related Schwannomatosis; SCHWANNOMATOSIS, VESTIBULAR. Identifiers: Orphanet 637, MedGen C0027832, MONDO:0007039, OMIM 101000. Disease mechanism: loss of function.
Hereditary cancer-predisposing syndrome. Also called: Tumor predisposition; Neoplastic Syndromes, Hereditary; Hereditary Cancer Syndrome; Hereditary neoplastic syndrome. Identifiers: Orphanet 140162, MedGen C0027672, MeSH D009386, MONDO:0015356.

Submissions (2):

Ambry Genetics
Classification: Uncertain significance for Hereditary cancer-predisposing syndrome. Last evaluated: 2025-06-18. Review status: criteria provided, single submitter. Criteria: Ambry Variant Classification Scheme 2023. Collection method: clinical testing. Allele origin: germline.
Comment: The p.Q115K variant (also known as c.343C>A), located in coding exon 3 of the NF2 gene, results from a C to A substitution at nucleotide position 343. The glutamine at codon 115 is replaced by lysine, an amino acid with similar properties. This amino acid position is highly conserved in available vertebrate species. In addition, the in silico prediction for this alteration is inconclusive. Based on the available evidence, the clinical significance of this variant remains unclear.

Labcorp Genetics (formerly Invitae), Labcorp
Classification: Uncertain significance for Neurofibromatosis, type 2. Last evaluated: 2024-01-22. Review status: criteria provided, single submitter. Criteria: Invitae Variant Classification Sherloc (09022015). Collection method: clinical testing. Allele origin: germline.
Comment: This sequence change replaces glutamine, which is neutral and polar, with lysine, which is basic and polar, at codon 115 of the NF2 protein (p.Gln115Lys). This variant is not present in population databases (gnomAD no frequency). This variant has not been reported in the literature in individuals affected with NF2-related conditions. ClinVar contains an entry for this variant (Variation ID: 1403898). Advanced modeling of protein sequence and biophysical properties (such as structural, functional, and spatial information, amino acid conservation, physicochemical variation, residue mobility, and thermodynamic stability) performed at Invitae indicates that this missense variant is not expected to disrupt NF2 protein function with a negative predictive value of 80%. In summary, the available evidence is currently insufficient to determine the role of this variant in disease. Therefore, it has been classified as a Variant of Uncertain Significance.